The following is an entry in ClinVar:

ClinVar aggregate classification (germline): Uncertain significance. Review status: criteria provided, multiple submitters, no conflicts (2 of 4 stars). 3 submissions from 3 submitters: Uncertain significance (3). Last evaluated 2025-08-29.

Conditions:
SH2B1-related disorder. Also called: SH2B1-related condition.

Allele frequency attached by ClinVar (database versions not stated): ExAC 0.00004; gnomAD 0.00005; TOPMed 0.00006; gnomAD exomes 0.00014.

Submissions (3):

Ambry Genetics
Classification: Uncertain significance. Last evaluated: 2025-08-29. Review status: criteria provided, single submitter. Criteria: Ambry Variant Classification Scheme 2023. Collection method: clinical testing. Allele origin: germline.

PreventionGenetics, part of Exact Sciences
Classification: Uncertain significance for SH2B1-related condition. Last evaluated: 2025-07-03. Review status: criteria provided, single submitter. Criteria: ACMG Guidelines, 2015. Collection method: clinical testing. Allele origin: germline.
Comment: The SH2B1 c.1307A>G variant is predicted to result in the amino acid substitution p.Gln436Arg. To our knowledge, this variant has not been reported in the literature. This variant is reported in 0.0086% of alleles in individuals of European (Non-Finnish) descent in gnomAD. At this time, the clinical significance of this variant is uncertain due to the absence of conclusive functional and genetic evidence.

Labcorp Genetics (formerly Invitae), Labcorp
Classification: Uncertain significance. Last evaluated: 2023-09-22. Review status: criteria provided, single submitter. Criteria: Invitae Variant Classification Sherloc (09022015). Collection method: clinical testing. Allele origin: germline.
Comment: In summary, the available evidence is currently insufficient to determine the role of this variant in disease. Therefore, it has been classified as a Variant of Uncertain Significance. An algorithm developed to predict the effect of missense changes on protein structure and function (PolyPhen-2) suggests that this variant is likely to be disruptive. ClinVar contains an entry for this variant (Variation ID: 2470393). This variant has not been reported in the literature in individuals affected with SH2B1-related conditions. This variant is present in population databases (rs762779258, gnomAD 0.008%). This sequence change replaces glutamine, which is neutral and polar, with arginine, which is basic and polar, at codon 436 of the SH2B1 protein (p.Gln436Arg).

NM_001387430.1(SH2B1):c.1307A>G (p.Gln436Arg)

Gene: SH2B1 (SH2B adaptor protein 1; plus strand). Cytogenetic location: 16p11.2.
Variant type: single nucleotide variant.
Coding change: c.1307A>G on transcript NM_001387430.1 (MANE Select); coding-DNA position 1307, A replaced by G.
Protein change: p.Gln436Arg; replaces glutamine 436 with arginine.
Molecular consequence: missense variant.
Genome position (GRCh38, 1-based): chr16:28,869,381, A>G. VCF-style: chr16-28869381-A-G. GRCh37 (hg19) VCF-style: chr16-28880702-A-G.
Other names: c.1307A>G, p.Gln436Arg (NM_001145795.2, NM_001145796.2, NM_001145797.2 and 4 more transcripts); c.299A>G, p.Gln100Arg (NM_001308294.2); short protein forms Q100R, Q436R.
Identifiers: ClinVar variation 2470393 (VCV002470393.8), dbSNP rs762779258, ClinGen allele CA7986157.
Genomic context (GRCh38, chr16:28,869,381, plus strand): 5'-AGAGTCTACCCAGCCAGGACCTGCTGCTTGGACCCAGCGAGAGCAATGACCGCCTGTCGC[A>G]GGGTAAGGGTGGAGCCTTAGAGAGCTCGGAGCCTCGGAACCTGCCATGCGGGGCCCCTGC-3'
Protein context (NP_001374359.1, residues 426-446): GPSESNDRLS[Gln436Arg]GAYGGLSDRP